The following is an entry in ClinVar:

NM_001376.5(DYNC1H1):c.4968G>C (p.Lys1656Asn)

Gene: DYNC1H1 (dynein cytoplasmic 1 heavy chain 1; plus strand). Cytogenetic location: 14q32.31.
Variant type: single nucleotide variant.
Coding change: c.4968G>C on transcript NM_001376.5 (MANE Select); coding-DNA position 4968, G replaced by C.
Protein change: p.Lys1656Asn; replaces lysine 1656 with asparagine.
Molecular consequence: missense variant.
Genome position (GRCh38, 1-based): chr14:102,004,602, G>C. VCF-style: chr14-102004602-G-C. GRCh37 (hg19) VCF-style: chr14-102470939-G-C.
Other names: short protein forms K1656N.
Identifiers: ClinVar variation 3636147 (VCV003636147.2).

ClinVar aggregate classification (germline): Uncertain significance (1 of 4 stars; one submission).

Conditions:
Charcot-Marie-Tooth disease axonal type 2O. Also called: Charcot-Marie-Tooth disease, axonal, type 20; CHARCOT-MARIE-TOOTH NEUROPATHY, AXONAL, TYPE 2O; CHARCOT-MARIE-TOOTH DISEASE, AXONAL, AUTOSOMAL DOMINANT, TYPE 2O; Charcot-Marie-Tooth Neuropathy Type 2O. Identifiers: Orphanet 284232, MedGen C3280220, MONDO:0013644, OMIM 614228.

Submission:

Labcorp Genetics (formerly Invitae), Labcorp
Classification: Uncertain significance for Charcot-Marie-Tooth disease axonal type 2O. Last evaluated: 2024-08-07. Review status: criteria provided, single submitter. Criteria: Invitae Variant Classification Sherloc (09022015). Collection method: clinical testing. Allele origin: germline.
Comment: This sequence change replaces lysine, which is basic and polar, with asparagine, which is neutral and polar, at codon 1656 of the DYNC1H1 protein (p.Lys1656Asn). This variant is not present in population databases (gnomAD no frequency). This variant has not been reported in the literature in individuals affected with DYNC1H1-related conditions. Advanced modeling of protein sequence and biophysical properties (such as structural, functional, and spatial information, amino acid conservation, physicochemical variation, residue mobility, and thermodynamic stability) performed at Invitae indicates that this missense variant is expected to disrupt DYNC1H1 protein function with a positive predictive value of 95%. In summary, the available evidence is currently insufficient to determine the role of this variant in disease. Therefore, it has been classified as a Variant of Uncertain Significance.